The following is an entry in ClinVar:

ClinVar aggregate classification (germline): Uncertain significance. Review status: criteria provided, multiple submitters, no conflicts (2 of 4 stars). 4 submissions from 4 submitters: Uncertain significance (4). Last evaluated 2024-10-24.

Conditions:
Mitochondrial complex I deficiency, nuclear type 5. Also called: Mitochondrial complex 1 deficiency, nuclear type 5. Identifiers: MedGen C4748754, MONDO:0032610, OMIM 618226.
Inborn genetic diseases. Identifiers: MedGen C0950123, MeSH D030342.

Allele frequency attached by ClinVar (database versions not stated): ExAC 0.00004; gnomAD 0.00006; gnomAD exomes 0.00006; TOPMed 0.00008; ESP Exome Variant Server 0.00015.
gnomAD v4.1: 94 of 1,613,596 alleles (0.0058%); highest among the groups gnomAD compares: Middle Eastern, 0.016%; no homozygotes.

Submissions (4):

Labcorp Genetics (formerly Invitae), Labcorp
Classification: Uncertain significance. Last evaluated: 2024-10-24. Review status: criteria provided, single submitter. Criteria: Invitae Variant Classification Sherloc (09022015). Collection method: clinical testing. Allele origin: germline.
Comment: This sequence change replaces histidine, which is basic and polar, with tyrosine, which is neutral and polar, at codon 444 of the NDUFS1 protein (p.His444Tyr). This variant is present in population databases (rs373339826, gnomAD 0.01%). This variant has not been reported in the literature in individuals affected with NDUFS1-related conditions. ClinVar contains an entry for this variant (Variation ID: 2161999). Invitae Evidence Modeling of protein sequence and biophysical properties (such as structural, functional, and spatial information, amino acid conservation, physicochemical variation, residue mobility, and thermodynamic stability) indicates that this missense variant is not expected to disrupt NDUFS1 protein function with a negative predictive value of 95%. In summary, the available evidence is currently insufficient to determine the role of this variant in disease. Therefore, it has been classified as a Variant of Uncertain Significance.

Blueprint Genetics
Classification: Uncertain significance. Last evaluated: 2024-03-18. Review status: criteria provided, single submitter. Criteria: ACMG Guidelines, 2015. Collection method: clinical testing. Allele origin: germline.

Ambry Genetics
Classification: Uncertain significance for Inborn genetic diseases. Last evaluated: 2021-10-06. Review status: criteria provided, single submitter. Criteria: Ambry Variant Classification Scheme 2023. Collection method: clinical testing. Allele origin: germline.

Revvity Omics, Revvity
Classification: Uncertain significance for Mitochondrial complex I deficiency, nuclear type 5. Last evaluated: 2019-05-21. Review status: criteria provided, single submitter. Criteria: ACMG Guidelines, 2015. Collection method: clinical testing. Allele origin: germline.

NM_005006.7(NDUFS1):c.1330C>T (p.His444Tyr)

Gene: NDUFS1 (NADH:ubiquinone oxidoreductase core subunit S1; minus strand). Cytogenetic location: 2q33.3.
Variant type: single nucleotide variant.
Coding change: c.1330C>T on transcript NM_005006.7 (MANE Select); coding-DNA position 1330, C replaced by T.
Protein change: p.His444Tyr; replaces histidine 444 with tyrosine.
Molecular consequence: missense variant.
Genome position (GRCh38, 1-based): chr2:206,138,547, G>A on the plus strand (C>T on the coding strand, the complement: NDUFS1 is on the minus strand). VCF-style: chr2-206138547-G-A. GRCh37 (hg19) VCF-style: chr2-207003271-G-A.
Other names: c.1222C>T, p.His408Tyr (NM_001199981.2); c.997C>T, p.His333Tyr (NM_001199982.2); c.1159C>T, p.His387Tyr (NM_001199983.2); c.1372C>T, p.His458Tyr (NM_001199984.2); c.1330C>T (NM_005006.6); short protein forms H408Y, H444Y, H387Y, H333Y, H458Y.
Identifiers: ClinVar variation 2161999 (VCV002161999.8), dbSNP rs373339826, ClinGen allele CA2070487.